The following is an entry in ClinVar:

ClinVar aggregate classification (germline): Likely pathogenic (1 of 4 stars; one submission).

Conditions:
Familial adenomatous polyposis 1 (FAP1). Also called: FAMILIAL ADENOMATOUS POLYPOSIS 1, ATTENUATED; POLYPOSIS, ADENOMATOUS INTESTINAL. Identifiers: MedGen C2713442, MONDO:0021056, OMIM 175100. Disease mechanism: loss of function.

Submission:

Labcorp Genetics (formerly Invitae), Labcorp
Classification: Likely pathogenic for Familial adenomatous polyposis 1. Last evaluated: 2020-07-12. Review status: criteria provided, single submitter. Criteria: Invitae Variant Classification Sherloc (09022015). Collection method: clinical testing. Allele origin: germline.
Comment: In summary, the currently available evidence indicates that the variant is pathogenic, but additional data are needed to prove that conclusively. Therefore, this variant has been classified as Likely Pathogenic. Donor and acceptor splice site variants typically lead to a loss of protein function (PMID: 16199547), and loss-of-function variants in APC are known to be pathogenic (PMID: 17963004, 20685668). Disruption of this splice site has been observed in individual(s) with clinical features of familial adenomatous polyposis (PMID: 23159591, 8381580). This variant is not present in population databases (ExAC no frequency). This sequence change affects a donor splice site in intron 4 of the APC gene. It is expected to disrupt RNA splicing and likely results in an absent or disrupted protein product.

Literature cited by the submitters: PubMed 16199547; PubMed 17963004; PubMed 20685668; PubMed 23159591; PubMed 8381580.

NM_000038.6(APC):c.422+1G>C

Gene: APC (APC regulator of Wnt signaling pathway; plus strand). Cytogenetic location: 5q22.2.
Variant type: single nucleotide variant.
Coding change: c.422+1G>C on transcript NM_000038.6 (MANE Select); the canonical splice donor site of the intron after coding-DNA position 422, G replaced by C.
Molecular consequence: splice donor variant.
Genome position (GRCh38, 1-based): chr5:112,767,391, G>C. VCF-style: chr5-112767391-G-C. GRCh37 (hg19) VCF-style: chr5-112103088-G-C.
Other names: c.-614+1G>C (NM_001407470.1, NM_001407472.1, NM_001354906.2 and 1 more transcripts); c.422+1G>C (NM_001407447.1, NM_001354895.2, NM_001407456.1 and 16 more transcripts); c.452+1G>C (NM_001407446.1, NM_001354897.2, NM_001354902.2 and 1 more transcripts); c.245+1G>C (NM_001407453.1, NM_001354900.2, NM_001354901.2 and 1 more transcripts); c.347+1G>C (NM_001407451.1, NM_001354898.2, NM_001354904.2).
Identifiers: ClinVar variation 1066891 (VCV001066891.10), dbSNP rs1756480727, ClinGen allele CA360617474.